The following is an entry in ClinVar:

NM_001040142.2(SCN2A):c.2017-89A>G

Gene: SCN2A (sodium voltage-gated channel alpha subunit 2; plus strand). Cytogenetic location: 2q24.3.
Variant type: single nucleotide variant.
Coding change: c.2017-89A>G on transcript NM_001040142.2 (MANE Select); 89 bases into the intron before coding-DNA position 2017, A replaced by G.
Molecular consequence: intron variant.
Genome position (GRCh38, 1-based): chr2:165,326,763, A>G. VCF-style: chr2-165326763-A-G. GRCh37 (hg19) VCF-style: chr2-166183273-A-G.
Other names: c.2017-89A>G (NM_001040143.2, NM_001371246.1, NM_001371247.1 and 1 more transcripts).
Identifiers: ClinVar variation 670812 (VCV000670812.2), dbSNP rs74598858, ClinGen allele CA59738789.
Genomic context (GRCh38, chr2:165,326,763, plus strand): 5'-AGAATTATCATTCCAACAATATCTTAGTGAGCTTTTTACATCTGAGAAAGCATGGTGTAT[A>G]TTTAGTTAAATAACACCTGTTGTAGGAATGCTTTGGGCTTTGCTGCTTTCAAAAATAGTG-3'

ClinVar aggregate classification (germline): Benign. Review status: criteria provided, multiple submitters, no conflicts (2 of 4 stars). 2 submissions from 2 submitters: Benign (2). Last evaluated 2018-06-14.

Allele frequency attached by ClinVar (database versions not stated): 1000 Genomes Project 30x 0.01843; 1000 Genomes Project 0.01897; TOPMed 0.02720; gnomAD 0.03444 and 0.03512; gnomAD exomes 0.04384.
gnomAD v4.1: 57,364 of 1,347,980 alleles (4.3%); highest among the groups gnomAD compares: Non-Finnish European, 4.9%; 1,525 homozygotes.

Submissions (2):

GeneDx
Classification: Benign. Last evaluated: 2018-06-14. Review status: criteria provided, single submitter. Criteria: GeneDx Variant Classification (06012015). Collection method: clinical testing. Allele origin: germline. Affected: yes.
Comment: This variant is considered likely benign or benign based on one or more of the following criteria: it is a conservative change, it occurs at a poorly conserved position in the protein, it is predicted to be benign by multiple in silico algorithms, and/or has population frequency not consistent with disease.

Breakthrough Genomics
Classification: Benign. Review status: criteria provided, single submitter. Criteria: ACMG Guidelines, 2015. Collection method: not provided. Allele origin: germline. Inheritance: Autosomal dominant inheritance. Affected: yes.